The following is an entry in ClinVar:

NM_004320.6(ATP2A1):c.2000G>A (p.Arg667Gln)

Gene: ATP2A1 (ATPase sarcoplasmic/endoplasmic reticulum Ca2+ transporting 1; plus strand). Cytogenetic location: 16p11.2.
Variant type: single nucleotide variant.
Coding change: c.2000G>A on transcript NM_004320.6 (MANE Select); coding-DNA position 2000, G replaced by A.
Protein change: p.Arg667Gln; replaces arginine 667 with glutamine.
Molecular consequence: missense variant.
Genome position (GRCh38, 1-based): chr16:28,900,816, G>A. VCF-style: chr16-28900816-G-A. GRCh37 (hg19) VCF-style: chr16-28912137-G-A.
Other names: p.Arg667Gln; c.2000G>A (NM_173201.4); c.1625G>A, p.Arg542Gln (NM_001286075.2); c.2000G>A, p.Arg667Gln (NM_173201.5); short protein forms R667Q, R542Q.
Identifiers: ClinVar variation 532729 (VCV000532729.13), dbSNP rs141250244, ClinGen allele CA7987145.
Genomic context (GRCh38, chr16:28,900,816, plus strand): 5'-AGGTGGCCGATCGCGCCTACACGGGCCGAGAGTTCGACGACCTGCCCCTGGCTGAACAGC[G>A]GGAAGCCTGCCGACGTGCCTGCTGCTTCGCCCGTGTGGAGCCCTCGCACAAGTCCAAGAT-3'
Protein context (NP_004311.1, residues 657-677): EFDDLPLAEQ[Arg667Gln]EACRRACCFA

ClinVar aggregate classification (germline): Uncertain significance. Review status: criteria provided, multiple submitters, no conflicts (2 of 4 stars). 4 submissions from 4 submitters: Uncertain significance (4). Last evaluated 2025-01-05.

Conditions:
Brody myopathy. Also called: BRODY DISEASE. Identifiers: Orphanet 53347, MedGen C1832918, MONDO:0010977, OMIM 601003.

Allele frequency attached by ClinVar (database versions not stated): gnomAD exomes 0.00016; TOPMed 0.00022; ExAC 0.00024; gnomAD 0.00025; ESP Exome Variant Server 0.00038.
gnomAD v4.1: 319 of 1,614,098 alleles (0.02%); highest among the groups gnomAD compares: Non-Finnish European, 0.024%; 1 homozygote.

Submissions (4):

Revvity Omics, Revvity
Classification: Uncertain significance for Brody myopathy. Last evaluated: 2025-01-05. Review status: criteria provided, single submitter. Criteria: ACMG Guidelines, 2015. Collection method: clinical testing. Allele origin: germline.

Mayo Clinic Laboratories, Mayo Clinic
Classification: Uncertain significance. Last evaluated: 2024-11-11. Review status: criteria provided, single submitter. Criteria: ACMG Guidelines, 2015. Collection method: clinical testing. Allele origin: germline. Observed: 2 variant alleles.

Athena Diagnostics
Classification: Uncertain significance. Last evaluated: 2023-04-27. Review status: criteria provided, single submitter. Criteria: Athena Diagnostics Criteria. Collection method: clinical testing. Allele origin: unknown.
Comment: Available data are insufficient to determine the clinical significance of the variant at this time. The frequency of this variant in the general population is higher than would generally be expected for pathogenic variants in this gene. Computational tools predict that this variant is not damaging.

Labcorp Genetics (formerly Invitae), Labcorp
Classification: Uncertain significance for Brody myopathy. Last evaluated: 2022-08-06. Review status: criteria provided, single submitter. Criteria: Invitae Variant Classification Sherloc (09022015). Collection method: clinical testing. Allele origin: germline.
Comment: This sequence change replaces arginine, which is basic and polar, with glutamine, which is neutral and polar, at codon 667 of the ATP2A1 protein (p.Arg667Gln). This variant is present in population databases (rs141250244, gnomAD 0.03%). This variant has not been reported in the literature in individuals affected with ATP2A1-related conditions. ClinVar contains an entry for this variant (Variation ID: 532729). Algorithms developed to predict the effect of missense changes on protein structure and function (SIFT, PolyPhen-2, Align-GVGD) all suggest that this variant is likely to be tolerated. Algorithms developed to predict the effect of sequence changes on RNA splicing suggest that this variant may create or strengthen a splice site. In summary, the available evidence is currently insufficient to determine the role of this variant in disease. Therefore, it has been classified as a Variant of Uncertain Significance.